The following is an entry in ClinVar:

ClinVar aggregate classification (germline): Uncertain significance. Review status: criteria provided, multiple submitters, no conflicts (2 of 4 stars). 2 submissions from 2 submitters: Uncertain significance (2). Last evaluated 2023-12-05.

Conditions:
Mucopolysaccharidosis type 7 (MPS7). Also called: MPS VII; GUSB DEFICIENCY; SLY SYNDROME; BETA-GLUCURONIDASE DEFICIENCY. Identifiers: Orphanet 584, MedGen C0085132, MONDO:0009662, OMIM 253220.

Allele frequency attached by ClinVar (database versions not stated): gnomAD exomes below 0.00001; TOPMed 0.00001; ExAC 0.00002.
gnomAD v4.1: 5 of 1,611,348 alleles (0.00031%); highest among the groups gnomAD compares: East Asian, 0.0022%; no homozygotes.

Submissions (2):

Women's Health and Genetics/Laboratory Corporation of America, LabCorp
Classification: Uncertain significance. Last evaluated: 2023-12-05. Review status: criteria provided, single submitter. Criteria: LabCorp Variant Classification Summary - May 2015. Collection method: clinical testing. Allele origin: germline.
Comment: Variant summary: GUSB c.1729C>T (p.Arg577Cys) results in a non-conservative amino acid change located in the Glycoside hydrolase family 2, catalytic domain (IPR006103) of the encoded protein sequence. Five of five in-silico tools predict a damaging effect of the variant on protein function. The variant allele was found at a frequency of 1.2e-05 in 251420 control chromosomes. c.1729C>T has been reported in the literature in individuals affected with Mucopolysaccharidosis Type VII (Sly Syndrome) (Correa_2021). These data indicate that the variant may be associated with disease. To our knowledge, no experimental evidence demonstrating an impact on protein function has been reported. The following publication have been ascertained in the context of this evaluation (PMID: 34302381). One submitter has cited clinical-significance assessments for this variant to ClinVar after 2014 and has classified the variant as uncertain significance. Based on the evidence outlined above, the variant was classified as VUS-possibly pathogenic.

Labcorp Genetics (formerly Invitae), Labcorp
Classification: Uncertain significance for Mucopolysaccharidosis type 7. Last evaluated: 2022-03-31. Review status: criteria provided, single submitter. Criteria: Invitae Variant Classification Sherloc (09022015). Collection method: clinical testing. Allele origin: germline.
Comment: In summary, the available evidence is currently insufficient to determine the role of this variant in disease. Therefore, it has been classified as a Variant of Uncertain Significance. This variant disrupts the p.Arg577 amino acid residue in GUSB. Other variant(s) that disrupt this residue have been determined to be pathogenic (PMID: 12522561, 19224584). This suggests that this residue is clinically significant, and that variants that disrupt this residue are likely to be disease-causing. Algorithms developed to predict the effect of missense changes on protein structure and function (SIFT, PolyPhen-2, Align-GVGD) all suggest that this variant is likely to be disruptive. This variant has not been reported in the literature in individuals affected with GUSB-related conditions. This variant is present in population databases (rs747104326, gnomAD 0.01%). This sequence change replaces arginine, which is basic and polar, with cysteine, which is neutral and slightly polar, at codon 577 of the GUSB protein (p.Arg577Cys).

Literature cited by the submitters: PubMed 34302381 (cited by Women's Health and Genetics/Laboratory Corporation of America, LabCorp); PubMed 12522561 (cited by Labcorp Genetics (formerly Invitae), Labcorp); PubMed 19224584 (cited by Labcorp Genetics (formerly Invitae), Labcorp).

NM_000181.4(GUSB):c.1729C>T (p.Arg577Cys)

Gene: GUSB (glucuronidase beta; minus strand). Cytogenetic location: 7q11.21.
Variant type: single nucleotide variant.
Coding change: c.1729C>T on transcript NM_000181.4 (MANE Select); coding-DNA position 1729, C replaced by T.
Protein change: p.Arg577Cys; replaces arginine 577 with cysteine.
Molecular consequence: missense variant. On other transcripts: non-coding transcript variant (1).
Genome position (GRCh38, 1-based): chr7:65,964,383, G>A on the plus strand (C>T on the coding strand, the complement: GUSB is on the minus strand). VCF-style: chr7-65964383-G-A. GRCh37 (hg19) VCF-style: chr7-65429370-G-A.
Other names: c.1291C>T, p.Arg431Cys (NM_001284290.2); c.1159C>T, p.Arg387Cys (NM_001293104.2); c.1072C>T, p.Arg358Cys (NM_001293105.2); short protein forms R358C, R387C, R431C, R577C.
Identifiers: ClinVar variation 1899897 (VCV001899897.6), dbSNP rs747104326, ClinGen allele CA4276199.